The following is an entry in ClinVar:

ClinVar aggregate classification (germline): Pathogenic/Likely pathogenic. Review status: criteria provided, multiple submitters, no conflicts (2 of 4 stars). 7 submissions from 7 submitters: Pathogenic (2); Likely pathogenic (2). 3 of the submissions do not count toward it. Last evaluated 2025-12-27.

Conditions:
Charcot-Marie-Tooth disease. Also called: Charcot-Marie-Tooth Neuropathy; Charcot-Marie-Tooth Hereditary Neuropathy. Identifiers: Orphanet 166, MedGen C0007959, MONDO:0015626.
Inborn genetic diseases. Identifiers: MedGen C0950123, MeSH D030342.
Charcot-Marie-Tooth disease, type I (CMT1). Also called: Charcot-Marie-Tooth, Type 1; Charcot-Marie-Tooth disease type 1. Identifiers: Orphanet 65753, MedGen C0751036, MONDO:0019011.
Charcot-Marie-Tooth disease type 1B. Also called: HEREDITARY MOTOR AND SENSORY NEUROPATHY I; HEREDITARY MOTOR AND SENSORY NEUROPATHY IB; CHARCOT-MARIE-TOOTH DISEASE, AUTOSOMAL DOMINANT, WITH FOCALLY FOLDED MYELIN SHEATHS, TYPE 1B; CHARCOT-MARIE-TOOTH DISEASE, SLOW NERVE CONDUCTION TYPE, LINKED TO DUFFY; CHARCOT-MARIE-TOOTH NEUROPATHY, TYPE 1B; Charcot-Marie-Tooth disease, demyelinating, type 1b. Identifiers: Orphanet 101082, MedGen C0270912, MONDO:0007307, OMIM 118200.

Submissions (7):

Dasa
Classification: Likely pathogenic. Last evaluated: 2025-12-27. Review status: criteria provided, single submitter. Criteria: DASA Assertion Criteria. Collection method: clinical testing. Allele origin: germline.
Comment: NM_000530.8(MPZ):c.670G>T (p.Asp224Tyr) is a missense variant that results in the substitution of aspartic acid with tyrosine. This variant has been recurrently observed in individuals with MPZ-related disorders (PMID: 33179255; PMID: 19882637; PMID: 27088055; PMID: 38338934). Segregation data support an association with disease in the reported family/families (PMID: 38338934). Functional evidence supports an impact on the gene or gene product. Also, this variant is rare in population databases. Computational evidence supports a deleterious effect. Based on the currently available evidence, this variant is classified as likely pathogenic.

Labcorp Genetics (formerly Invitae), Labcorp
Classification: Pathogenic for Charcot-Marie-Tooth disease, type I. Last evaluated: 2025-08-26. Review status: criteria provided, single submitter. Criteria: Invitae Variant Classification Sherloc (09022015). Collection method: clinical testing. Allele origin: germline.
Comment: This sequence change replaces aspartic acid, which is acidic and polar, with tyrosine, which is neutral and polar, at codon 224 of the MPZ protein (p.Asp224Tyr). This variant is not present in population databases (gnomAD no frequency). This missense change has been observed in individuals with Charcot-Marie-Tooth disease (CMT) (PMID: 16488608, 19259128, 19882637, 21149811, 27088055). It has also been observed to segregate with disease in related individuals. ClinVar contains an entry for this variant (Variation ID: 41024). An algorithm developed to predict the effect of missense changes on protein structure and function (PolyPhen-2) suggests that this variant is likely to be disruptive. Experimental studies have shown that this missense change affects MPZ function (PMID: 31173589). For these reasons, this variant has been classified as Pathogenic.

CeGaT Center for Human Genetics Tuebingen
Classification: Pathogenic. Last evaluated: 2025-06-01. Review status: criteria provided, single submitter. Criteria: CeGaT Center For Human Genetics Tuebingen Variant Classification Criteria Version 2. Collection method: clinical testing. Allele origin: germline. Affected: yes. Observed: 1 variant allele.
Comment: MPZ: PP1:Strong, PM2, PS3:Moderate, PS4:Moderate

Ambry Genetics
Classification: Likely pathogenic for Inborn genetic diseases. Last evaluated: 2021-04-23. Review status: criteria provided, single submitter. Criteria: Ambry Variant Classification Scheme 2023. Collection method: clinical testing. Allele origin: germline.
Comment: The p.D224Y variant (also known as c.670G>T), located in coding exon 6 of the MPZ gene, results from a G to T substitution at nucleotide position 670. The aspartic acid at codon 224 is replaced by tyrosine, an amino acid with highly dissimilar properties. This alteration was detected as heterozygous in multiple unrelated individuals with a consistent disease phenotype that includes sensory deficits, pes cavus, diminished nerve conduction velocities, and absent or diminished reflexes (Fabrizi GM et al. Neuromuscul Disord, 2006 Mar;16:183-7; Miltenberger-Miltenyi G et al. Eur J Hum Genet, 2009 Sep;17:1154-9; Benedetti S et al. Arch Neurol, 2010 Dec;67:1498-505; Schneider-Gold C et al. Muscle Nerve, 2010 Apr;41:550-4). In the heterozygous state, this alteration segregated with disease in one family (Schneider-Gold C et al. Muscle Nerve, 2010 Apr;41:550-4). This variant was also detected as homozygous in two affected individuals in the same family (Fabrizi GM et al. Neuromuscul Disord, 2006 Mar;16:183-7). Biochemical and structural analyses suggest that this alteration leads to structural changes that can contribute to hypermyelination (Raasakka A et al. PLoS One, 2019 Jun;14:e0216833). This variant is considered to be rare based on population cohorts in the Genome Aggregation Database (gnomAD). This amino acid position is highly conserved in available vertebrate species. In addition, this alteration is predicted to be deleterious by in silico analysis. Based on the majority of available evidence to date, this variant is likely to be pathogenic.

OMIM
Classification: Pathogenic for CHARCOT-MARIE-TOOTH DISEASE, TYPE 1B. Last evaluated: 2006-03-01. Review status: no assertion criteria provided. Collection method: literature only. Allele origin: germline. Not counted in ClinVar's aggregate classification.

GeneReviews
No classification provided. Condition: Charcot-Marie-Tooth disease type 1B. Review status: no classification provided. Collection method: literature only. Allele origin: germline. Affected: yes. Not counted in ClinVar's aggregate classification.

Inherited Neuropathy Consortium
Classification: Uncertain significance for Charcot-Marie-Tooth disease. Review status: no assertion criteria provided. Collection method: literature only. Allele origin: germline. Affected: yes. Not counted in ClinVar's aggregate classification.

Literature cited by the submitters: PubMed 16488608 (cited by 5 submitters); PubMed 33179255 (cited by Dasa); PubMed 19882637 (cited by 3 submitters); PubMed 27088055 (cited by Dasa and Labcorp Genetics (formerly Invitae), Labcorp); PubMed 38338934 (cited by Dasa); PubMed 19259128 (cited by Labcorp Genetics (formerly Invitae), Labcorp and Ambry Genetics); PubMed 21149811 (cited by Labcorp Genetics (formerly Invitae), Labcorp and Ambry Genetics); PubMed 31173589 (cited by Labcorp Genetics (formerly Invitae), Labcorp and Ambry Genetics); NCBI Bookshelf NBK1205 (cited by GeneReviews).

NM_000530.8(MPZ):c.670G>T (p.Asp224Tyr)

Gene: MPZ (myelin protein zero; minus strand). Cytogenetic location: 1q23.3.
Variant type: single nucleotide variant.
Coding change: c.670G>T on transcript NM_000530.8 (MANE Select); coding-DNA position 670, G replaced by T.
Protein change: p.Asp224Tyr; replaces aspartic acid 224 with tyrosine.
Molecular consequence: missense variant.
Genome position (GRCh38, 1-based): chr1:161,305,953, C>A on the plus strand (G>T on the coding strand, the complement: MPZ is on the minus strand). VCF-style: chr1-161305953-C-A. GRCh37 (hg19) VCF-style: chr1-161275743-C-A.
Other names: D195Y; c.670G>T, p.Asp224Tyr (NM_001315491.2); short protein forms D224Y.
Identifiers: ClinVar variation 41024 (VCV000041024.24), dbSNP rs267607247, ClinGen allele CA343909.